The following is an entry in ClinVar:

NM_001370259.2(MEN1):c.537_538delinsTT (p.Glu179_Asp180delinsAspTyr)

Gene: MEN1 (menin 1; minus strand). Cytogenetic location: 11q13.1.
Variant type: Indel.
Coding change: c.537_538delinsTT on transcript NM_001370259.2 (MANE Select); coding-DNA positions 537 to 538, GG replaced by TT.
Protein change: p.Glu179_Asp180delinsAspTyr.
Molecular consequence: missense variant.
Genome position (GRCh38, 1-based): chr11:64,808,007-64,808,008, CC replaced by AA on the plus strand (GG replaced by TT on the coding strand, the reverse complement: MEN1 is on the minus strand). VCF-style: chr11-64808007-CC-AA. GRCh37 (hg19) VCF-style: chr11-64575479-CC-AA.
Other names: c.537_538delGGinsTT (NM_130799.2); c.552_553delinsTT, p.Glu184_Asp185delinsAspTyr (NM_000244.4, NM_130800.3, NM_130801.3 and 3 more transcripts); c.537_538delinsTT, p.Glu179_Asp180delinsAspTyr (NM_001370251.2, NM_001370260.2, NM_001370261.2 and 3 more transcripts).
Identifiers: ClinVar variation 457325 (VCV000457325.7), dbSNP rs1555165809, ClinGen allele CA658658067.
Genomic context (GRCh38, chr11:64,808,007, plus strand): 5'-CGTGCCAGGTGACCTCAGCTGTCTGCTCCCCATTGGGCCCAAACACTACCCAGGCATGAT[CC>AA]TCAGACAGGGCGAGGTGGACATCCCGGAGACCCAGGGCCTGGCAGGCCCCAACCACAGCA-3'

ClinVar aggregate classification (germline): Pathogenic (1 of 4 stars; one submission).

Conditions:
Multiple endocrine neoplasia, type 1 (MEN1). Also called: MEN I; WERMER SYNDROME; Endocrine adenomatosis multiple; MEN 1; MEA I. Identifiers: Orphanet 652, MedGen C0025267, MeSH D018761, MONDO:0007540, OMIM 131100.

Submission:

Labcorp Genetics (formerly Invitae), Labcorp
Classification: Pathogenic for Multiple endocrine neoplasia, type 1. Last evaluated: 2023-07-17. Review status: criteria provided, single submitter. Criteria: Invitae Variant Classification Sherloc (09022015). Collection method: clinical testing. Allele origin: germline.
Comment: For these reasons, this variant has been classified as Pathogenic. This variant disrupts a region of the MEN1 protein in which other variant(s) (p.Glu179Asp) have been determined to be pathogenic (PMID: 9888389, 10849016, 11102994, 22470073; Invitae). This suggests that this is a clinically significant region of the protein, and that variants that disrupt it are likely to be disease-causing. Experimental studies and prediction algorithms are not available or were not evaluated, and the functional significance of this variant is currently unknown. ClinVar contains an entry for this variant (Variation ID: 457325). This variant has not been reported in the literature in individuals affected with MEN1-related conditions. Information on the frequency of this variant in the gnomAD database is not available, as this variant may be reported differently in the database. This variant, c.537_538delinsTT, is a complex sequence change that results in the deletion of 2 and insertion of 2 amino acid(s) in the MEN1 protein (p.Glu179_Asp180delinsAspTyr).

Literature cited by the submitters: PubMed 9888389; PubMed 10849016; PubMed 11102994; PubMed 22470073.